The following is an entry in ClinVar:

ClinVar aggregate classification (germline): Uncertain significance (1 of 4 stars; one submission).

Conditions:
Muscular dystrophy-dystroglycanopathy (congenital with brain and eye anomalies), type A9. Also called: WALKER-WARBURG SYNDROME OR MUSCLE-EYE BRAIN DISEASE, DAG1-RELATED; Muscular dystrophy-dystroglycanopathy (congenital with brain and eye anomalies), type a, 9. Identifiers: Orphanet 370997, Orphanet 899, MedGen C4225291, MONDO:0014683, OMIM 616538.
Autosomal recessive limb-girdle muscular dystrophy type 2P. Also called: Limb-Girdle Muscular Dystrophy Type 9C; MUSCULAR DYSTROPHY, LIMB-GIRDLE, TYPE 2P; MUSCULAR DYSTROPHY-DYSTROGLYCANOPATHY, LIMB-GIRDLE, DAG1-RELATED. Identifiers: Orphanet 280333, MedGen C4511963, MONDO:0013440, OMIM 613818.

Allele frequency attached by ClinVar (database versions not stated): ExAC 0.00001; gnomAD exomes 0.00001; TOPMed 0.00003; gnomAD 0.00004.
gnomAD v4.1: 23 of 1,613,324 alleles (0.0014%); highest among the groups gnomAD compares: African/African-American, 0.0053%; no homozygotes.

Submission:

Labcorp Genetics (formerly Invitae), Labcorp
Classification: Uncertain significance for Autosomal recessive limb-girdle muscular dystrophy type 2P; Muscular dystrophy-dystroglycanopathy (congenital with brain and eye anomalies), type A9. Last evaluated: 2022-06-27. Review status: criteria provided, single submitter. Criteria: Invitae Variant Classification Sherloc (09022015). Collection method: clinical testing. Allele origin: germline.
Comment: In summary, the available evidence is currently insufficient to determine the role of this variant in disease. Therefore, it has been classified as a Variant of Uncertain Significance. Algorithms developed to predict the effect of missense changes on protein structure and function are either unavailable or do not agree on the potential impact of this missense change (SIFT: "Deleterious"; PolyPhen-2: "Probably Damaging"; Align-GVGD: "Class C0"). This variant has not been reported in the literature in individuals affected with DAG1-related conditions. This variant is present in population databases (rs775023091, gnomAD 0.005%). This sequence change replaces arginine, which is basic and polar, with tryptophan, which is neutral and slightly polar, at codon 680 of the DAG1 protein (p.Arg680Trp).

NM_004393.6(DAG1):c.2038C>T (p.Arg680Trp)

Gene: DAG1 (dystroglycan 1; plus strand). Cytogenetic location: 3p21.31.
Variant type: single nucleotide variant.
Coding change: c.2038C>T on transcript NM_004393.6 (MANE Select); coding-DNA position 2038, C replaced by T.
Protein change: p.Arg680Trp; replaces arginine 680 with tryptophan.
Molecular consequence: missense variant.
Genome position (GRCh38, 1-based): chr3:49,532,549, C>T. VCF-style: chr3-49532549-C-T. GRCh37 (hg19) VCF-style: chr3-49569982-C-T.
Other names: c.2038C>T, p.Arg680Trp (NM_001165928.4, NM_001177634.3, NM_001177635.3 and 9 more transcripts); short protein forms R680W.
Identifiers: ClinVar variation 1442286 (VCV001442286.4), dbSNP rs775023091, ClinGen allele CA2399195.